The following is an entry in ClinVar:

NM_031935.3(HMCN1):c.16612C>T (p.Leu5538Phe)

Gene: HMCN1 (hemicentin 1; plus strand). Cytogenetic location: 1q31.1.
Variant type: single nucleotide variant.
Coding change: c.16612C>T on transcript NM_031935.3 (MANE Select); coding-DNA position 16612, C replaced by T.
Protein change: p.Leu5538Phe; replaces leucine 5538 with phenylalanine.
Molecular consequence: missense variant.
Genome position (GRCh38, 1-based): chr1:186,189,582, C>T. VCF-style: chr1-186189582-C-T. GRCh37 (hg19) VCF-style: chr1-186158714-C-T.
Other names: c.16612C>T (NM_031935.2); short protein forms L5538F.
Identifiers: ClinVar variation 1431126 (VCV001431126.7), dbSNP rs369798131, ClinGen allele CA1295616.

ClinVar aggregate classification (germline): Uncertain significance. Review status: criteria provided, multiple submitters, no conflicts (2 of 4 stars). 3 submissions from 3 submitters: Uncertain significance (3). Last evaluated 2025-08-23.

Conditions:
Age related macular degeneration 1 (ARMD1). Also called: MACULOPATHY, AGE-RELATED, 1. Identifiers: MedGen C1864205, MONDO:0011285, OMIM 603075.

Allele frequency attached by ClinVar (database versions not stated): ESP Exome Variant Server 0.00008.
gnomAD v4.1: 47 of 1,613,540 alleles (0.0029%); highest among the groups gnomAD compares: Middle Eastern, 0.016%; no homozygotes.

Submissions (3):

Ambry Genetics
Classification: Uncertain significance. Last evaluated: 2025-08-23. Review status: criteria provided, single submitter. Criteria: Ambry Variant Classification Scheme 2023. Collection method: clinical testing. Allele origin: germline.

Labcorp Genetics (formerly Invitae), Labcorp
Classification: Uncertain significance. Last evaluated: 2024-10-29. Review status: criteria provided, single submitter. Criteria: Invitae Variant Classification Sherloc (09022015). Collection method: clinical testing. Allele origin: germline.
Comment: This sequence change replaces leucine, which is neutral and non-polar, with phenylalanine, which is neutral and non-polar, at codon 5538 of the HMCN1 protein (p.Leu5538Phe). This variant is present in population databases (rs369798131, gnomAD 0.004%). This variant has not been reported in the literature in individuals affected with HMCN1-related conditions. ClinVar contains an entry for this variant (Variation ID: 1431126). An algorithm developed to predict the effect of missense changes on protein structure and function outputs the following: PolyPhen-2: "Benign". The phenylalanine amino acid residue is found in multiple mammalian species, which suggests that this missense change does not adversely affect protein function. In summary, the available evidence is currently insufficient to determine the role of this variant in disease. Therefore, it has been classified as a Variant of Uncertain Significance.

Genome-Nilou Lab
Classification: Uncertain significance for Age related macular degeneration 1. Last evaluated: 2023-04-11. Review status: criteria provided, single submitter. Criteria: ACMG Guidelines, 2015. Collection method: clinical testing. Allele origin: germline. Affected: no.